The following is an entry in ClinVar:

ClinVar aggregate classification (germline): Likely benign. Review status: criteria provided, multiple submitters, no conflicts (2 of 4 stars). 4 submissions from 4 submitters: Likely benign (3). 1 of the submissions does not count toward it. Last evaluated 2025-08-22.

Conditions:
SCN10A-related disorder. Also called: SCN10A-related condition.
Brugada syndrome. Also called: Sudden unexplained nocturnal death syndrome; Sudden unexpected nocturnal death syndrome; Sudden Unexplained Death Syndrome; Sudden Unexplained Nocturnal Death Syndrome (SUNDS). Identifiers: Orphanet 130, MedGen C1142166, MONDO:0015263.
Cardiovascular phenotype. Identifiers: MedGen CN230736.

Allele frequency attached by ClinVar (database versions not stated): ExAC 0.00001; gnomAD 0.00001; gnomAD exomes 0.00001 and 0.00002; TOPMed 0.00001; 1000 Genomes Project 30x 0.00016; 1000 Genomes Project 0.00020.
gnomAD v4.1: 8 of 1,613,840 alleles (0.0005%); highest among the groups gnomAD compares: East Asian, 0.011%; no homozygotes.

Submissions (4):

Labcorp Genetics (formerly Invitae), Labcorp
Classification: Likely benign for Brugada syndrome. Last evaluated: 2025-08-22. Review status: criteria provided, single submitter. Criteria: Invitae Variant Classification Sherloc (09022015). Collection method: clinical testing. Allele origin: germline.

Ambry Genetics
Classification: Likely benign for Cardiovascular phenotype. Last evaluated: 2019-07-11. Review status: criteria provided, single submitter. Criteria: Ambry Variant Classification Scheme 2023. Collection method: clinical testing. Allele origin: germline.

GeneDx
Classification: Likely benign. Last evaluated: 2018-01-19. Review status: criteria provided, single submitter. Criteria: GeneDx Variant Classification (06012015). Collection method: clinical testing. Allele origin: germline. Affected: yes.
Comment: This variant is considered likely benign or benign based on one or more of the following criteria: it is a conservative change, it occurs at a poorly conserved position in the protein, it is predicted to be benign by multiple in silico algorithms, and/or has population frequency not consistent with disease.

PreventionGenetics, part of Exact Sciences
Classification: Likely benign for SCN10A-related condition. Last evaluated: 2019-03-25. Review status: no assertion criteria provided. Collection method: clinical testing. Allele origin: germline. Not counted in ClinVar's aggregate classification.
Comment: This variant is classified as likely benign based on ACMG/AMP sequence variant interpretation guidelines (Richards et al. 2015 PMID: 25741868, with internal and published modifications).

NM_006514.4(SCN10A):c.612A>G (p.Thr204=)

Gene: SCN10A (sodium voltage-gated channel alpha subunit 10; minus strand). Cytogenetic location: 3p22.2.
Variant type: single nucleotide variant.
Coding change: c.612A>G on transcript NM_006514.4 (MANE Select); coding-DNA position 612, A replaced by G.
Protein change: p.Thr204=; no amino-acid change (threonine 204 retained).
Molecular consequence: synonymous variant.
Genome position (GRCh38, 1-based): chr3:38,763,584, T>C on the plus strand (A>G on the coding strand, the complement: SCN10A is on the minus strand). VCF-style: chr3-38763584-T-C. GRCh37 (hg19) VCF-style: chr3-38805075-T-C.
Other names: c.612A>G (NM_006514.3); c.612A>G, p.Thr204= (NM_001293306.2, NM_001293307.2).
Identifiers: ClinVar variation 514642 (VCV000514642.12), dbSNP rs565457429, ClinGen allele CA2321131.
Genomic context (GRCh38, chr3:38,763,584, plus strand): 5'-TTTTAATGCTCTAAGAACTCTGAATGTCCGCAGGCCTGAGATCCCACGGAGATCTATTGC[T>C]GTGCCAACATATCTGTAGGACCAGAAGTTAGTCAGCATCTCTGCAAGCAAGGGTCCTGGG-3'
Protein context (NP_006505.4, residues 194-214): FSVITLAYVG[Thr204=]AIDLRGISGL